The following is an entry in ClinVar:

ClinVar aggregate classification (germline): Uncertain significance. Review status: criteria provided, multiple submitters, no conflicts (2 of 4 stars). 3 submissions from 3 submitters: Uncertain significance (2). 1 of the submissions does not count toward it. Last evaluated 2022-08-16.

Conditions:
Combined malonic and methylmalonic acidemia. Identifiers: Orphanet 289504, MedGen C3280314, MONDO:0013661, OMIM 614265.

Allele frequency attached by ClinVar (database versions not stated): ESP Exome Variant Server 0.00008; gnomAD 0.00016; gnomAD exomes 0.00028; ExAC 0.00029; TOPMed 0.00029; 1000 Genomes Project 30x 0.00078; 1000 Genomes Project 0.00080.
gnomAD v4.1: 615 of 1,613,964 alleles (0.038%); highest among the groups gnomAD compares: Non-Finnish European, 0.047%; no homozygotes.

Submissions (3):

Labcorp Genetics (formerly Invitae), Labcorp
Classification: Uncertain significance for Combined malonic and methylmalonic acidemia. Last evaluated: 2022-08-16. Review status: criteria provided, single submitter. Criteria: Invitae Variant Classification Sherloc (09022015). Collection method: clinical testing. Allele origin: germline.
Comment: This sequence change replaces glycine, which is neutral and non-polar, with serine, which is neutral and polar, at codon 120 of the ACSF3 protein (p.Gly120Ser). This variant is present in population databases (rs200703917, gnomAD 0.05%). This variant has not been reported in the literature in individuals affected with ACSF3-related conditions. ClinVar contains an entry for this variant (Variation ID: 574883). Advanced modeling of protein sequence and biophysical properties (such as structural, functional, and spatial information, amino acid conservation, physicochemical variation, residue mobility, and thermodynamic stability) performed at Invitae indicates that this missense variant is expected to disrupt ACSF3 protein function. In summary, the available evidence is currently insufficient to determine the role of this variant in disease. Therefore, it has been classified as a Variant of Uncertain Significance.

Breakthrough Genomics
Classification: Uncertain significance. Review status: criteria provided, single submitter. Criteria: ACMG Guidelines, 2015. Collection method: not provided. Allele origin: germline. Inheritance: Unknown mechanism. Affected: yes.

Natera, Inc.
Classification: Uncertain significance for Combined malonic and methylmalonic aciduria. Last evaluated: 2021-09-20. Review status: no assertion criteria provided. Collection method: clinical testing. Allele origin: germline. Not counted in ClinVar's aggregate classification.

NM_001243279.3(ACSF3):c.358G>A (p.Gly120Ser)

Gene: ACSF3 (acyl-CoA synthetase family member 3; plus strand). Cytogenetic location: 16q24.3.
Variant type: single nucleotide variant.
Coding change: c.358G>A on transcript NM_001243279.3 (MANE Select); coding-DNA position 358, G replaced by A.
Protein change: p.Gly120Ser; replaces glycine 120 with serine.
Molecular consequence: missense variant. On other transcripts: non-coding transcript variant (3), intron variant (1).
Genome position (GRCh38, 1-based): chr16:89,101,039, G>A. VCF-style: chr16-89101039-G-A. GRCh37 (hg19) VCF-style: chr16-89167447-G-A.
Other names: c.358G>A, p.Gly120Ser (NM_001127214.4, NM_174917.5); c.-129-1565G>A (NM_001284316.2); short protein forms G120S.
Identifiers: ClinVar variation 574883 (VCV000574883.9), dbSNP rs200703917, ClinGen allele CA8237627.